The following is an entry in ClinVar:

ClinVar aggregate classification (germline): Pathogenic. Review status: reviewed by expert panel (3 of 4 stars). 3 submissions from 3 submitters: Pathogenic (1). 2 of the submissions do not count toward it. Last evaluated 2016-04-03.

Conditions:
Breast-ovarian cancer, familial, susceptibility to, 1 (BROVCA1). Also called: BRCA1 Hereditary Breast and Ovarian Cancer; OVARIAN CANCER, SUSCEPTIBILITY TO. Identifiers: Orphanet 145, MedGen C2676676, MONDO:0011450, OMIM 604370. Disease mechanism: loss of function.
Hereditary cancer-predisposing syndrome. Also called: Tumor predisposition; Hereditary Cancer Syndrome; Neoplastic Syndromes, Hereditary; Hereditary neoplastic syndrome. Identifiers: Orphanet 140162, MedGen C0027672, MeSH D009386, MONDO:0015356.

Submissions (3):

Evidence-based Network for the Interpretation of Germline Mutant Alleles (ENIGMA)
Classification: Pathogenic for Breast-ovarian cancer, familial, susceptibility to, 1. Last evaluated: 2016-04-03. Review status: reviewed by expert panel. Criteria: ENIGMA BRCA1/2 Classification Criteria (2015). Collection method: curation. Allele origin: germline.
Comment: Allele-specific assay on patient-derived mRNA demonstrated that the variant allele produces only predicted non-functional transcripts. Variant allele produces r.380_441del transcript (encoding predicted non-functional protein).

Ambry Genetics
Classification: Likely pathogenic for Hereditary cancer-predisposing syndrome. Last evaluated: 2025-01-09. Review status: criteria provided, single submitter. Criteria: Ambry Variant Classification Scheme 2023. Collection method: clinical testing. Allele origin: germline. Not counted in ClinVar's aggregate classification.
Comment: The c.441+2T>G intronic variant results from a T to G substitution two nucleotides after coding exon 5 in the BRCA1 gene. RNA studies have demonstrated that this alteration results in abnormal splicing in the set of samples tested (Colombo M et al. PLoS One, 2013 Feb;8:e57173). This variant is considered to be rare based on population cohorts in the Genome Aggregation Database (gnomAD). This nucleotide position is highly conserved in available vertebrate species. In silico splice site analysis predicts that this alteration will weaken the native splice donor site; however, direct evidence is insufficient at this time (Ambry internal data). In addition to the clinical data presented in the literature, alterations that disrupt the canonical splice site are expected to cause aberrant splicing, resulting in an abnormal protein or a transcript that is subject to nonsense-mediated mRNA decay. As such, this alteration is classified as likely pathogenic.

Consortium of Investigators of Modifiers of BRCA1/2 (CIMBA), c/o University of Cambridge
Classification: Pathogenic for Breast-ovarian cancer, familial, susceptibility to, 1. Last evaluated: 2015-10-02. Review status: criteria provided, single submitter. Criteria: CIMBA Mutation Classification guidelines May 2016. Collection method: clinical testing. Allele origin: germline. Not counted in ClinVar's aggregate classification.

Literature cited by the submitters: PubMed 23451180 (cited by Evidence-based Network for the Interpretation of Germline Mutant Alleles (ENIGMA) and Ambry Genetics).

NM_007294.4(BRCA1):c.441+2T>G

Gene: BRCA1 (BRCA1 DNA repair associated; minus strand). Cytogenetic location: 17q21.31.
Variant type: single nucleotide variant.
Coding change: c.441+2T>G on transcript NM_007294.4 (MANE Select); the canonical splice donor site of the intron after coding-DNA position 441, T replaced by G.
Molecular consequence: splice donor variant. On other transcripts: intron variant (2).
Genome position (GRCh38, 1-based): chr17:43,104,120, A>C on the plus strand (T>G on the coding strand, the complement: BRCA1 is on the minus strand). VCF-style: chr17-43104120-A-C. GRCh37 (hg19) VCF-style: chr17-41256137-A-C.
Other names: IVS7+2T>G; c.441+2T>G (NM_001407639.1, NM_001407632.1, NM_001407859.1 and 164 more transcripts); c.309+2T>G (NM_001408451.1); c.231+2T>G (NM_001407898.1, NM_001407881.1, NM_001407885.1 and 58 more transcripts); c.300+2T>G (NM_001407932.1, NM_001408464.1, NM_001407742.1 and 99 more transcripts); c.363+2T>G (NM_001408475.1, NM_001407875.1, NM_001407659.1 and 21 more transcripts); c.-218-9260T>G (NM_001407967.1, NM_001407966.1); c.60+2T>G (NM_001407959.1, NM_001407962.1, NM_001408512.1 and 4 more transcripts); and 1 more.
Identifiers: ClinVar variation 236261 (VCV000236261.6), dbSNP rs397509173, ClinGen allele CA10581605.